The following is an entry in ClinVar:

NM_003590.5(CUL3):c.884-5T>A

Gene: CUL3 (cullin 3; minus strand). Cytogenetic location: 2q36.2.
Variant type: single nucleotide variant.
Coding change: c.884-5T>A on transcript NM_003590.5 (MANE Select); 5 bases into the intron before coding-DNA position 884, T replaced by A.
Molecular consequence: intron variant.
Genome position (GRCh38, 1-based): chr2:224,507,008, A>T on the plus strand (T>A on the coding strand, the complement: CUL3 is on the minus strand). VCF-style: chr2-224507008-A-T. GRCh37 (hg19) VCF-style: chr2-225371725-A-T.
Other names: c.686-5T>A (NM_001257197.2); c.902-5T>A (NM_001257198.2).
Identifiers: ClinVar variation 3901198 (VCV003901198.2).
Genomic context (GRCh38, chr2:224,507,008, plus strand): 5'-CATTGTTTTCAAACCATTTGGCACACGACTAAATAACTTGTACATGCAACCAAGGTCTAC[A>T]AATCAGAAAACACAAATTGGCTACATTAAAGATTAAAGAAAAAAACACGAATCTCTGTTC-3'

ClinVar aggregate classification (germline): Uncertain significance. Review status: criteria provided, multiple submitters, no conflicts (2 of 4 stars). 2 submissions from 2 submitters: Uncertain significance (2). Last evaluated 2025-06-06.

Conditions:
Neurodevelopmental disorder with or without autism or seizures (NEDAUS). Identifiers: MedGen C5543225, MONDO:0030994, OMIM 619239.

Submissions (2):

GeneDx
Classification: Uncertain significance. Last evaluated: 2025-06-06. Review status: criteria provided, single submitter. Criteria: GeneDx Variant Classification Process June 2021. Collection method: clinical testing. Allele origin: germline. Affected: yes.
Comment: Not observed at significant frequency in large population cohorts (gnomAD); In silico analysis supports a deleterious effect on splicing; Has not been previously published as pathogenic or benign to our knowledge

Institute of Human Genetics, University of Leipzig Medical Center
Classification: Uncertain significance for Neurodevelopmental disorder with or without autism or seizures. Last evaluated: 2025-04-28. Review status: criteria provided, single submitter. Criteria: ACMG Guidelines, 2015. Collection method: clinical testing. Allele origin: de novo. Inheritance: Autosomal dominant inheritance. Affected: yes.
Comment: Criteria applied: PS2_MOD,PM2_SUP,PP3